The following is an entry in ClinVar:

NM_001127208.3(TET2):c.171C>A (p.Phe57Leu)

Genes: TET2 (tet methylcytosine dioxygenase 2; plus strand), TET2-AS1 (TET2 antisense RNA 1; minus strand). Cytogenetic location: 4q24.
Variant type: single nucleotide variant.
Coding change: c.171C>A on transcript NM_001127208.3 (MANE Select); coding-DNA position 171, C replaced by A.
Protein change: p.Phe57Leu; replaces phenylalanine 57 with leucine.
Molecular consequence: missense variant.
Genome position (GRCh38, 1-based): chr4:105,234,113, C>A. VCF-style: chr4-105234113-C-A. GRCh37 (hg19) VCF-style: chr4-106155270-C-A.
Other names: c.171C>A, p.Phe57Leu (NM_017628.4); short protein forms F57L.
Identifiers: ClinVar variation 3712574 (VCV003712574.2).
Genomic context (GRCh38, chr4:105,234,113, plus strand): 5'-AAGCCCACTGCCTGAGAGAGCTCATCCAGAAGTAAATGGAGACACCAAGTGGCACTCTTT[C>A]AAAAGTTATTATGGAATACCCTGTATGAAGGGAAGCCAGAATAGTCGTGTGAGTCCTGAC-3'
Protein context (NP_001120680.1, residues 47-67): EVNGDTKWHS[Phe57Leu]KSYYGIPCMK

ClinVar aggregate classification (germline): Uncertain significance (1 of 4 stars; one submission).

Submission:

Labcorp Genetics (formerly Invitae), Labcorp
Classification: Uncertain significance. Last evaluated: 2025-11-10. Review status: criteria provided, single submitter. Criteria: Invitae Variant Classification Sherloc (09022015). Collection method: clinical testing. Allele origin: germline.
Comment: This sequence change replaces phenylalanine, which is neutral and non-polar, with leucine, which is neutral and non-polar, at codon 57 of the TET2 protein (p.Phe57Leu). This variant is not present in population databases (gnomAD no frequency). This variant has not been reported in the literature in individuals affected with TET2-related conditions. ClinVar contains an entry for this variant (Variation ID: 3712574). An algorithm developed to predict the effect of missense changes on protein structure and function outputs the following: PolyPhen-2: "Benign". The leucine amino acid residue is found in multiple mammalian species, which suggests that this missense change does not adversely affect protein function. In summary, the available evidence is currently insufficient to determine the role of this variant in disease. Therefore, it has been classified as a Variant of Uncertain Significance.